The following is an entry in ClinVar:

NM_002900.3(RBP3):c.1283C>T (p.Ser428Phe)

Gene: RBP3 (retinol binding protein 3; plus strand). Cytogenetic location: 10q11.22.
Variant type: single nucleotide variant.
Coding change: c.1283C>T on transcript NM_002900.3 (MANE Select); coding-DNA position 1283, C replaced by T.
Protein change: p.Ser428Phe; replaces serine 428 with phenylalanine.
Molecular consequence: missense variant.
Genome position (GRCh38, 1-based): chr10:47,349,767, C>T. VCF-style: chr10-47349767-C-T. GRCh37 (hg19) VCF-style: chr10-48389595-G-A.
Other names: short protein forms S428F.
Identifiers: ClinVar variation 1988203 (VCV001988203.4), dbSNP rs2549028467, ClinGen allele CA376669198.

ClinVar aggregate classification (germline): Uncertain significance (1 of 4 stars; one submission).

Allele frequency attached by ClinVar (database versions not stated): gnomAD exomes below 0.00001.
gnomAD v4.1: 2 of 1,613,118 alleles (0.00012%); highest among the groups gnomAD compares: Non-Finnish European, 0.00017%; no homozygotes.

Submission:

Labcorp Genetics (formerly Invitae), Labcorp
Classification: Uncertain significance. Last evaluated: 2022-01-05. Review status: criteria provided, single submitter. Criteria: Invitae Variant Classification Sherloc (09022015). Collection method: clinical testing. Allele origin: germline.
Comment: In summary, the available evidence is currently insufficient to determine the role of this variant in disease. Therefore, it has been classified as a Variant of Uncertain Significance. Algorithms developed to predict the effect of missense changes on protein structure and function are either unavailable or do not agree on the potential impact of this missense change (SIFT: "Deleterious"; PolyPhen-2: "Possibly Damaging"; Align-GVGD: "Class C0"). This variant has not been reported in the literature in individuals affected with RBP3-related conditions. This variant is not present in population databases (gnomAD no frequency). This sequence change replaces serine, which is neutral and polar, with phenylalanine, which is neutral and non-polar, at codon 428 of the RBP3 protein (p.Ser428Phe).